The following is an entry in ClinVar:

NM_013432.5(TONSL):c.2222G>C (p.Ser741Thr)

Genes: TONSL (tonsoku like, DNA repair protein; minus strand), TONSL-AS1 (TONSL antisense RNA 1; plus strand). Cytogenetic location: 8q24.3.
Variant type: single nucleotide variant.
Coding change: c.2222G>C on transcript NM_013432.5 (MANE Select); coding-DNA position 2222, G replaced by C.
Protein change: p.Ser741Thr; replaces serine 741 with threonine.
Molecular consequence: missense variant.
Genome position (GRCh38, 1-based): chr8:144,436,211, C>G on the plus strand (G>C on the coding strand, the complement: TONSL is on the minus strand). VCF-style: chr8-144436211-C-G. GRCh37 (hg19) VCF-style: chr8-145661594-C-G.
Other names: short protein forms S741T.
Identifiers: ClinVar variation 1439280 (VCV001439280.3), dbSNP rs753177583, ClinGen allele CA4942895.
Genomic context (GRCh38, chr8:144,436,211, plus strand): 5'-CGAGGCCTCTTCTGGGACGGCCGTGCGGGGCCTGCGCTGTCCTCGCCTTCTGAGCTGCTG[C>G]TGCTGCTGGCTGGCCCATGCCTGCTCCTCCGAGGCCTGGCCATGGCTGGTGCCGCCTGCC-3'
Protein context (NP_038460.4, residues 731-751): RRSRHGPASS[Ser741Thr]SSSEGEDSAG

ClinVar aggregate classification (germline): Uncertain significance (1 of 4 stars; one submission).

Allele frequency attached by ClinVar (database versions not stated): TOPMed below 0.00001; ExAC 0.00001; gnomAD 0.00001; gnomAD exomes 0.00003.
gnomAD v4.1: 12 of 1,565,272 alleles (0.00077%); highest among the groups gnomAD compares: Admixed American, 0.019%; no homozygotes.

Submission:

Labcorp Genetics (formerly Invitae), Labcorp
Classification: Uncertain significance. Last evaluated: 2022-08-23. Review status: criteria provided, single submitter. Criteria: Invitae Variant Classification Sherloc (09022015). Collection method: clinical testing. Allele origin: germline.
Comment: This sequence change replaces serine, which is neutral and polar, with threonine, which is neutral and polar, at codon 741 of the TONSL protein (p.Ser741Thr). This variant is present in population databases (rs753177583, gnomAD 0.02%). This variant has not been reported in the literature in individuals affected with TONSL-related conditions. ClinVar contains an entry for this variant (Variation ID: 1439280). Algorithms developed to predict the effect of missense changes on protein structure and function (SIFT, PolyPhen-2, Align-GVGD) all suggest that this variant is likely to be tolerated. In summary, the available evidence is currently insufficient to determine the role of this variant in disease. Therefore, it has been classified as a Variant of Uncertain Significance.